The following is an entry in ClinVar:

ClinVar aggregate classification (germline): Uncertain significance. Review status: criteria provided, multiple submitters, no conflicts (2 of 4 stars). 2 submissions from 2 submitters: Uncertain significance (2). Last evaluated 2025-04-11.

Conditions:
Inborn genetic diseases. Identifiers: MedGen C0950123, MeSH D030342.

Allele frequency attached by ClinVar (database versions not stated): ExAC 0.00001; gnomAD exomes 0.00001; gnomAD 0.00003 and 0.00005; TOPMed 0.00005; ESP Exome Variant Server 0.00008.
gnomAD v4.1: 12 of 1,613,980 alleles (0.00074%); highest among the groups gnomAD compares: Admixed American, 0.0083%; no homozygotes.

Submissions (2):

Ambry Genetics
Classification: Uncertain significance for Inborn genetic diseases. Last evaluated: 2025-04-11. Review status: criteria provided, single submitter. Criteria: Ambry Variant Classification Scheme 2023. Collection method: clinical testing. Allele origin: germline.

Labcorp Genetics (formerly Invitae), Labcorp
Classification: Uncertain significance. Last evaluated: 2025-01-07. Review status: criteria provided, single submitter. Criteria: Invitae Variant Classification Sherloc (09022015). Collection method: clinical testing. Allele origin: germline.
Comment: This sequence change replaces leucine, which is neutral and non-polar, with valine, which is neutral and non-polar, at codon 1444 of the HSPG2 protein (p.Leu1444Val). This variant is present in population databases (rs147195024, gnomAD 0.01%). This variant has not been reported in the literature in individuals affected with HSPG2-related conditions. ClinVar contains an entry for this variant (Variation ID: 1420627). An algorithm developed to predict the effect of missense changes on protein structure and function (PolyPhen-2) suggests that this variant is likely to be disruptive. In summary, the available evidence is currently insufficient to determine the role of this variant in disease. Therefore, it has been classified as a Variant of Uncertain Significance.

NM_005529.7(HSPG2):c.4330C>G (p.Leu1444Val)

Gene: HSPG2 (heparan sulfate proteoglycan 2; minus strand). Cytogenetic location: 1p36.12.
Variant type: single nucleotide variant.
Coding change: c.4330C>G on transcript NM_005529.7 (MANE Select); coding-DNA position 4330, C replaced by G.
Protein change: p.Leu1444Val; replaces leucine 1444 with valine.
Molecular consequence: missense variant.
Genome position (GRCh38, 1-based): chr1:21,865,350, G>C on the plus strand (C>G on the coding strand, the complement: HSPG2 is on the minus strand). VCF-style: chr1-21865350-G-C. GRCh37 (hg19) VCF-style: chr1-22191843-G-C.
Other names: c.4333C>G, p.Leu1445Val (NM_001291860.2); c.4330C>G (NM_005529.5); short protein forms L1445V, L1444V.
Identifiers: ClinVar variation 1420627 (VCV001420627.7), dbSNP rs147195024, ClinGen allele CA672301.